The following is an entry in ClinVar:

NM_024426.6(WT1):c.433A>G (p.Ile145Val)

Genes: WT1 (WT1 transcription factor; minus strand), LOC107982234 (WT1/WT1-AS bi-directional promoter region; plus strand). Cytogenetic location: 11p13.
Variant type: single nucleotide variant.
Coding change: c.433A>G on transcript NM_024426.6 (MANE Select); coding-DNA position 433, A replaced by G.
Protein change: p.Ile145Val; replaces isoleucine 145 with valine.
Molecular consequence: missense variant. On other transcripts: non-coding transcript variant (1).
Genome position (GRCh38, 1-based): chr11:32,434,928, T>C on the plus strand (A>G on the coding strand, the complement: WT1 is on the minus strand). VCF-style: chr11-32434928-T-C. GRCh37 (hg19) VCF-style: chr11-32456474-T-C.
Other names: c.433A>G, p.Ile145Val (NM_000378.6, NM_024424.5); c.418A>G (NM_024426.4); short protein forms I145V.
Identifiers: ClinVar variation 1441494 (VCV001441494.9), dbSNP rs2133103410, ClinGen allele CA379965649.
Genomic context (GRCh38, chr11:32,434,928, plus strand): 5'-AGGCGCTCAGGCACTGCTCCTCGTGCGGCTCCGCGCCGCCCCAGCTCGGCTCCTGTTTGA[T>C]GAAGGAGTGAGGCGGCGGCGGCGGGGGTGGCGGCGGAGCCGGTGGCGGCGCGGGGCCGCC-3'
Protein context (NP_077744.4, residues 135-155): PPPPPPPHSF[Ile145Val]KQEPSWGGAE

ClinVar aggregate classification (germline): Uncertain significance. Review status: criteria provided, multiple submitters, no conflicts (2 of 4 stars). 2 submissions from 2 submitters: Uncertain significance (2). Last evaluated 2025-02-01.

Conditions:
Inborn genetic diseases. Identifiers: MedGen C0950123, MeSH D030342.
Drash syndrome (DDS). Also called: WILMS TUMOR AND PSEUDO- OR TRUE HERMAPHRODITISM; NEPHROPATHY, WILMS TUMOR, AND GENITAL ANOMALIES. Identifiers: Orphanet 220, MedGen C0950121, MONDO:0008682, OMIM 194080.
Wilms tumor 1 (WT1). Also called: Wilms tumor, somatic. Identifiers: Orphanet 654, MedGen CN033288, MONDO:0008679, OMIM 194070.
Frasier syndrome. Identifiers: Orphanet 347, MedGen C0950122, MeSH D052159, MONDO:0007635, OMIM 136680.
11p partial monosomy syndrome (WAGR). Also called: WAGR Complex; WAGR Spectrum Disorder; WAGR syndrome; CHROMOSOME 11p13 DELETION SYNDROME. Identifiers: Orphanet 893, MedGen C0206115, MONDO:0008681, OMIM 194072.

Allele frequency attached by ClinVar (database versions not stated): gnomAD exomes below 0.00001.
gnomAD v4.1: 1 of 1,603,408 alleles (0.000062%); highest among the groups gnomAD compares: South Asian, 0.0011%; no homozygotes.

Submissions (2):

Ambry Genetics
Classification: Uncertain significance for Inborn genetic diseases. Last evaluated: 2025-02-01. Review status: criteria provided, single submitter. Criteria: Ambry Variant Classification Scheme 2023. Collection method: clinical testing. Allele origin: germline.
Comment: The p.I140V variant (also known as c.418A>G), located in coding exon 1 of the WT1 gene, results from an A to G substitution at nucleotide position 418. The isoleucine at codon 140 is replaced by valine, an amino acid with highly similar properties. This amino acid position is highly conserved in available vertebrate species. In addition, this alteration is predicted to be tolerated by in silico analysis. Based on the available evidence, the clinical significance of this variant remains unclear.

Labcorp Genetics (formerly Invitae), Labcorp
Classification: Uncertain significance for Wilms tumor 1; Drash syndrome; 11p partial monosomy syndrome; Frasier syndrome. Last evaluated: 2024-04-11. Review status: criteria provided, single submitter. Criteria: Invitae Variant Classification Sherloc (09022015). Collection method: clinical testing. Allele origin: germline.
Comment: This sequence change replaces isoleucine, which is neutral and non-polar, with valine, which is neutral and non-polar, at codon 140 of the WT1 protein (p.Ile140Val). This variant is not present in population databases (gnomAD no frequency). This variant has not been reported in the literature in individuals affected with WT1-related conditions. ClinVar contains an entry for this variant (Variation ID: 1441494). An algorithm developed to predict the effect of missense changes on protein structure and function (PolyPhen-2) suggests that this variant is likely to be tolerated. In summary, the available evidence is currently insufficient to determine the role of this variant in disease. Therefore, it has been classified as a Variant of Uncertain Significance.